The following is an entry in ClinVar:

ClinVar aggregate classification (germline): Pathogenic/Likely pathogenic. Review status: criteria provided, multiple submitters, no conflicts (2 of 4 stars). 2 submissions from 2 submitters: Pathogenic (1); Likely pathogenic (1). Last evaluated 2026-01-20.

Conditions:
Autosomal recessive nonsyndromic hearing loss 22. Identifiers: Orphanet 90636, MedGen C1846896, MONDO:0011762, OMIM 607039.

Allele frequency attached by ClinVar (database versions not stated): ExAC 0.00005.
gnomAD v4.1: 16 of 1,606,790 alleles (0.001%); highest among the groups gnomAD compares: South Asian, 0.017%; no homozygotes.

Submissions (2):

MVZ Martinsried, Medicover Genetics
Classification: Pathogenic for Autosomal recessive nonsyndromic hearing loss 22. Last evaluated: 2026-01-20. Review status: criteria provided, single submitter. Criteria: ClinGen Variant Curation SOP V3.2 + Classification Guidance July2025. Collection method: clinical testing. Allele origin: inherited. Affected: yes. Observed: 1 homozygote.

Labcorp Genetics (formerly Invitae), Labcorp
Classification: Likely pathogenic. Last evaluated: 2023-11-27. Review status: criteria provided, single submitter. Criteria: Invitae Variant Classification Sherloc (09022015). Collection method: clinical testing. Allele origin: germline.
Comment: This sequence change affects a donor splice site in intron 7 of the OTOA gene. It is expected to disrupt RNA splicing. Variants that disrupt the donor or acceptor splice site typically lead to a loss of protein function (PMID: 16199547), and loss-of-function variants in OTOA are known to be pathogenic (PMID: 11972037). This variant is present in population databases (rs745871771, gnomAD 0.03%). This variant has not been reported in the literature in individuals affected with OTOA-related conditions. Algorithms developed to predict the effect of sequence changes on RNA splicing suggest that this variant may disrupt the consensus splice site. In summary, the currently available evidence indicates that the variant is pathogenic, but additional data are needed to prove that conclusively. Therefore, this variant has been classified as Likely Pathogenic.

Literature cited by the submitters: PubMed 16199547 (cited by Labcorp Genetics (formerly Invitae), Labcorp); PubMed 11972037 (cited by Labcorp Genetics (formerly Invitae), Labcorp).

NM_144672.4(OTOA):c.635+2T>A

Gene: OTOA (otoancorin). Cytogenetic location: 16p12.2.
Variant type: single nucleotide variant.
Coding change: c.635+2T>A on transcript NM_144672.4 (MANE Select); the canonical splice donor site of the intron after coding-DNA position 635, T replaced by A.
Molecular consequence: splice donor variant.
Genome position (GRCh38, 1-based): chr16:21,687,650, T>A. VCF-style: chr16-21687650-T-A. GRCh37 (hg19) VCF-style: chr16-21698971-T-A.
Other names: c.398+2T>A (NM_001161683.2).
Identifiers: ClinVar variation 2990394 (VCV002990394.4), dbSNP rs745871771, ClinGen allele CA7952348.